The following is an entry in ClinVar:

ClinVar aggregate classification (germline): Uncertain significance (1 of 4 stars; one submission).

Allele frequency attached by ClinVar (database versions not stated): gnomAD 0.00001; gnomAD exomes 0.00002; TOPMed 0.00002; ExAC 0.00004.
gnomAD v4.1: 26 of 1,613,992 alleles (0.0016%); highest among the groups gnomAD compares: Admixed American, 0.017%; no homozygotes.

Submission:

Labcorp Genetics (formerly Invitae), Labcorp
Classification: Uncertain significance. Last evaluated: 2022-04-05. Review status: criteria provided, single submitter. Criteria: Invitae Variant Classification Sherloc (09022015). Collection method: clinical testing. Allele origin: germline.
Comment: In summary, the available evidence is currently insufficient to determine the role of this variant in disease. Therefore, it has been classified as a Variant of Uncertain Significance. This sequence change replaces arginine, which is basic and polar, with glutamine, which is neutral and polar, at codon 1636 of the CEP250 protein (p.Arg1636Gln). This variant is present in population databases (rs751982784, gnomAD 0.03%). This variant has not been reported in the literature in individuals affected with CEP250-related conditions. Algorithms developed to predict the effect of missense changes on protein structure and function output the following: SIFT: "Not Available"; PolyPhen-2: "Benign"; Align-GVGD: "Not Available". The glutamine amino acid residue is found in multiple mammalian species, which suggests that this missense change does not adversely affect protein function.

NM_007186.6(CEP250):c.4907G>A (p.Arg1636Gln)

Gene: CEP250 (centrosomal protein 250; plus strand). Cytogenetic location: 20q11.22.
Variant type: single nucleotide variant.
Coding change: c.4907G>A on transcript NM_007186.6 (MANE Select); coding-DNA position 4907, G replaced by A.
Protein change: p.Arg1636Gln; replaces arginine 1636 with glutamine.
Molecular consequence: missense variant.
Genome position (GRCh38, 1-based): chr20:35,503,276, G>A. VCF-style: chr20-35503276-G-A. GRCh37 (hg19) VCF-style: chr20-34091104-G-A.
Other names: c.3011G>A, p.Arg1004Gln (NM_001318219.1); short protein forms R1004Q, R1636Q.
Identifiers: ClinVar variation 2413781 (VCV002413781.4), dbSNP rs751982784, ClinGen allele CA9833789.